The following is an entry in ClinVar:

NM_001271.4(CHD2):c.4258T>G (p.Ser1420Ala)

Gene: CHD2 (chromodomain helicase DNA binding protein 2; plus strand). Cytogenetic location: 15q26.1.
Variant type: single nucleotide variant.
Coding change: c.4258T>G on transcript NM_001271.4 (MANE Select); coding-DNA position 4258, T replaced by G.
Protein change: p.Ser1420Ala; replaces serine 1420 with alanine.
Molecular consequence: missense variant.
Genome position (GRCh38, 1-based): chr15:93,002,297, T>G. VCF-style: chr15-93002297-T-G. GRCh37 (hg19) VCF-style: chr15-93545527-T-G.
Other names: short protein forms S1420A.
Identifiers: ClinVar variation 847693 (VCV000847693.12), dbSNP rs773012231, ClinGen allele CA393901470.

ClinVar aggregate classification (germline): Uncertain significance (1 of 4 stars; one submission).

Conditions:
Developmental and epileptic encephalopathy 94 (DEE94). Also called: CHD2-Related Neurodevelopmental Disorders; Epileptic encephalopathy, childhood-onset. Identifiers: Orphanet 1942, Orphanet 2382, MedGen C3809278, MONDO:0014150, OMIM 615369.

Submission:

Labcorp Genetics (formerly Invitae), Labcorp
Classification: Uncertain significance for Developmental and epileptic encephalopathy 94. Last evaluated: 2019-12-23. Review status: criteria provided, single submitter. Criteria: Invitae Variant Classification Sherloc (09022015). Collection method: clinical testing. Allele origin: germline.
Comment: In summary, the available evidence is currently insufficient to determine the role of this variant in disease. Therefore, it has been classified as a Variant of Uncertain Significance. Algorithms developed to predict the effect of missense changes on protein structure and function output the following: SIFT: "Deleterious"; PolyPhen-2: "Benign"; Align-GVGD: "Class C0". The alanine amino acid residue is found in multiple mammalian species, suggesting that this missense change does not adversely affect protein function. These predictions have not been confirmed by published functional studies and their clinical significance is uncertain. This variant has not been reported in the literature in individuals with CHD2-related conditions. This variant is not present in population databases (ExAC no frequency). This sequence change replaces serine with alanine at codon 1420 of the CHD2 protein (p.Ser1420Ala). The serine residue is moderately conserved and there is a moderate physicochemical difference between serine and alanine.